The following is an entry in ClinVar:

ClinVar aggregate classification (germline): Likely benign (1 of 4 stars; one submission).

gnomAD v4.1: 42 of 1,614,106 alleles (0.0026%); highest among the groups gnomAD compares: Admixed American, 0.0033%; no homozygotes.

Submission:

CeGaT Center for Human Genetics Tuebingen
Classification: Likely benign. Last evaluated: 2026-03-01. Review status: criteria provided, single submitter. Criteria: CeGaT Center For Human Genetics Tuebingen Variant Classification Criteria Version 2. Collection method: clinical testing. Allele origin: germline. Affected: yes. Observed: 1 variant allele.
Comment: ZFHX3: BP4, BP7

NM_006885.4(ZFHX3):c.2985C>G (p.Leu995=)

Gene: ZFHX3 (zinc finger homeobox 3; minus strand). Cytogenetic location: 16q22.3.
Variant type: single nucleotide variant.
Coding change: c.2985C>G on transcript NM_006885.4 (MANE Select); coding-DNA position 2985, C replaced by G.
Protein change: p.Leu995=; no amino-acid change (leucine 995 retained).
Molecular consequence: synonymous variant.
Genome position (GRCh38, 1-based): chr16:72,950,700, G>C on the plus strand (C>G on the coding strand, the complement: ZFHX3 is on the minus strand). VCF-style: chr16-72950700-G-C. GRCh37 (hg19) VCF-style: chr16-72984599-G-C.
Other names: c.243C>G, p.Leu81= (NM_001164766.2); c.2985C>G, p.Leu995= (NM_001386735.1).
Identifiers: ClinVar variation 4821894 (VCV004821894.4).